The following is an entry in ClinVar:

ClinVar aggregate classification (germline): Likely pathogenic (1 of 4 stars; one submission).

Conditions:
Hereditary hemochromatosis (HFE). Identifiers: MedGen C0392514, MONDO:0006507. Disease mechanism: loss of function.

Allele frequency attached by ClinVar (database versions not stated): gnomAD exomes below 0.00001.

Submission:

Labcorp Genetics (formerly Invitae), Labcorp
Classification: Likely pathogenic for Hereditary hemochromatosis. Last evaluated: 2023-04-10. Review status: criteria provided, single submitter. Criteria: Invitae Variant Classification Sherloc (09022015). Collection method: clinical testing. Allele origin: germline.
Comment: This sequence change affects a donor splice site in intron 4 of the HFE gene. It is expected to disrupt RNA splicing. Variants that disrupt the donor or acceptor splice site typically lead to a loss of protein function (PMID: 16199547), and loss-of-function variants in HFE are known to be pathogenic (PMID: 27518069). This variant is not present in population databases (gnomAD no frequency). In summary, the currently available evidence indicates that the variant is pathogenic, but additional data are needed to prove that conclusively. Therefore, this variant has been classified as Likely Pathogenic. Algorithms developed to predict the effect of sequence changes on RNA splicing suggest that this variant may disrupt the consensus splice site. ClinVar contains an entry for this variant (Variation ID: 950450). This variant has not been reported in the literature in individuals affected with HFE-related conditions.

Literature cited by the submitters: PubMed 16199547; PubMed 27518069.

NM_000410.4(HFE):c.892+1G>T

Gene: HFE (homeostatic iron regulator; plus strand). Cytogenetic location: 6p22.2.
Variant type: single nucleotide variant.
Coding change: c.892+1G>T on transcript NM_000410.4 (MANE Select); the canonical splice donor site of the intron after coding-DNA position 892, G replaced by T.
Molecular consequence: splice donor variant. On other transcripts: intron variant (1).
Genome position (GRCh38, 1-based): chr6:26,092,961, G>T. VCF-style: chr6-26092961-G-T. GRCh37 (hg19) VCF-style: chr6-26093189-G-T.
Other names: c.883+1G>T (NM_001406751.1); c.892+1G>T (NM_001384164.1, NM_001300749.3); c.850+1G>T (NM_139006.3); c.616+1G>T (NM_139004.3); c.574+1G>T (NM_139003.3); c.823+1G>T (NM_139009.3); c.628+1G>T (NM_139007.3, NM_001406752.1); c.586+1G>T (NM_139008.3); and 2 more.
Identifiers: ClinVar variation 950450 (VCV000950450.9), dbSNP rs1762833218, ClinGen allele CA363208859.